The following is an entry in ClinVar:

ClinVar aggregate classification (germline): Uncertain significance. Review status: criteria provided, multiple submitters, no conflicts (2 of 4 stars). 2 submissions from 2 submitters: Uncertain significance (2). Last evaluated 2023-02-15.

Conditions:
Inborn genetic diseases. Identifiers: MedGen C0950123, MeSH D030342.

Allele frequency attached by ClinVar (database versions not stated): gnomAD exomes below 0.00001.
gnomAD v4.1: 3 of 1,045,136 alleles (0.00029%); highest among the groups gnomAD compares: Non-Finnish European, 0.00023%; no homozygotes.

Submissions (2):

Ambry Genetics
Classification: Uncertain significance for Inborn genetic diseases. Last evaluated: 2023-02-15. Review status: criteria provided, single submitter. Criteria: Ambry Variant Classification Scheme 2023. Collection method: clinical testing. Allele origin: germline.

Labcorp Genetics (formerly Invitae), Labcorp
Classification: Uncertain significance. Last evaluated: 2022-06-27. Review status: criteria provided, single submitter. Criteria: Invitae Variant Classification Sherloc (09022015). Collection method: clinical testing. Allele origin: germline.
Comment: This sequence change replaces glycine, which is neutral and non-polar, with arginine, which is basic and polar, at codon 93 of the PKDCC protein (p.Gly93Arg). The frequency data for this variant in the population databases is considered unreliable, as metrics indicate insufficient coverage at this position in the gnomAD database. This variant has not been reported in the literature in individuals affected with PKDCC-related conditions. Algorithms developed to predict the effect of missense changes on protein structure and function are either unavailable or do not agree on the potential impact of this missense change (SIFT: "Deleterious"; PolyPhen-2: "Benign"; Align-GVGD: "Class C0"). In summary, the available evidence is currently insufficient to determine the role of this variant in disease. Therefore, it has been classified as a Variant of Uncertain Significance.

NM_138370.3(PKDCC):c.277G>C (p.Gly93Arg)

Gene: PKDCC (protein kinase domain containing, cytoplasmic; plus strand). Cytogenetic location: 2p21.
Variant type: single nucleotide variant.
Coding change: c.277G>C on transcript NM_138370.3 (MANE Select); coding-DNA position 277, G replaced by C.
Protein change: p.Gly93Arg; replaces glycine 93 with arginine.
Molecular consequence: missense variant.
Genome position (GRCh38, 1-based): chr2:42,048,476, G>C. VCF-style: chr2-42048476-G-C. GRCh37 (hg19) VCF-style: chr2-42275616-G-C.
Other names: c.277G>C (NM_138370.2); short protein forms G93R.
Identifiers: ClinVar variation 1450395 (VCV001450395.9), dbSNP rs2103922126, ClinGen allele CA346622846.